The following is an entry in ClinVar:

NM_000064.4(C3):c.4003_4004delinsAT (p.Glu1335Ile)

Gene: C3 (complement C3; minus strand). Cytogenetic location: 19p13.3.
Variant type: Indel.
Coding change: c.4003_4004delinsAT on transcript NM_000064.4 (MANE Select); coding-DNA positions 4003 to 4004, GA replaced by AT.
Protein change: p.Glu1335Ile; replaces glutamic acid 1335 with isoleucine.
Molecular consequence: missense variant.
Genome position (GRCh38, 1-based): chr19:6,684,800-6,684,801, TC replaced by AT on the plus strand (GA replaced by AT on the coding strand, the reverse complement: C3 is on the minus strand). VCF-style: chr19-6684800-TC-AT. GRCh37 (hg19) VCF-style: chr19-6684811-TC-AT.
Other names: short protein forms E1335I.
Identifiers: ClinVar variation 1718691 (VCV001718691.6), dbSNP rs2512232880, ClinGen allele CA2580097035.

ClinVar aggregate classification (germline): Uncertain significance. Review status: criteria provided, multiple submitters, no conflicts (2 of 4 stars). 2 submissions from 2 submitters: Uncertain significance (2). Last evaluated 2025-01-24.

Conditions:
Atypical hemolytic-uremic syndrome with C3 anomaly. Also called: AHUS, SUSCEPTIBILITY TO, 5. Identifiers: Orphanet 2134, MedGen C2752037, MONDO:0013043, OMIM 612925.
Age related macular degeneration 9. Identifiers: MedGen C1969651, MONDO:0012659, OMIM 611378.
Complement component 3 deficiency. Identifiers: Orphanet 280133, MedGen C3151071, MONDO:0013417, OMIM 613779.

Submissions (2):

Labcorp Genetics (formerly Invitae), Labcorp
Classification: Uncertain significance. Last evaluated: 2025-01-24. Review status: criteria provided, single submitter. Criteria: Invitae Variant Classification Sherloc (09022015). Collection method: clinical testing. Allele origin: germline.
Comment: This sequence change replaces glutamic acid, which is acidic and polar, with isoleucine, which is neutral and non-polar, at codon 1335 of the C3 protein (p.Glu1335Ile). This variant is present in population databases (no rsID available, gnomAD 0.0007%). This variant has not been reported in the literature in individuals affected with C3-related conditions. ClinVar contains an entry for this variant (Variation ID: 1718691). An algorithm developed to predict the effect of missense changes on protein structure and function (PolyPhen-2) suggests that this variant is likely to be tolerated. In summary, the available evidence is currently insufficient to determine the role of this variant in disease. Therefore, it has been classified as a Variant of Uncertain Significance.

Fulgent Genetics
Classification: Uncertain significance for Age related macular degeneration 9; Atypical hemolytic-uremic syndrome with C3 anomaly; Complement component 3 deficiency. Last evaluated: 2024-05-15. Review status: criteria provided, single submitter. Criteria: ACMG Guidelines, 2015. Collection method: clinical testing. Allele origin: germline.